The following is an entry in ClinVar:

ClinVar aggregate classification (germline): Uncertain significance (1 of 4 stars; one submission).

Conditions:
Cardiovascular phenotype. Identifiers: MedGen CN230736.

Submission:

Ambry Genetics
Classification: Uncertain significance for Cardiovascular phenotype. Last evaluated: 2025-03-25. Review status: criteria provided, single submitter. Criteria: Ambry Variant Classification Scheme 2023. Collection method: clinical testing. Allele origin: germline.
Comment: The p.M1095I variant (also known as c.3285G>A), located in coding exon 24 of the LAMA4 gene, results from a G to A substitution at nucleotide position 3285. The methionine at codon 1095 is replaced by isoleucine, an amino acid with highly similar properties. This amino acid position is conserved. In addition, the in silico prediction for this alteration is inconclusive. Based on the available evidence, the clinical significance of this variant remains unclear.

NM_001105206.3(LAMA4):c.3306G>A (p.Met1102Ile)

Gene: LAMA4 (laminin subunit alpha 4; minus strand). Cytogenetic location: 6q21.
Variant type: single nucleotide variant.
Coding change: c.3306G>A on transcript NM_001105206.3 (MANE Select); coding-DNA position 3306, G replaced by A.
Protein change: p.Met1102Ile; replaces methionine 1102 with isoleucine.
Molecular consequence: missense variant.
Genome position (GRCh38, 1-based): chr6:112,136,231, C>T on the plus strand (G>A on the coding strand, the complement: LAMA4 is on the minus strand). VCF-style: chr6-112136231-C-T. GRCh37 (hg19) VCF-style: chr6-112457433-C-T.
Other names: c.3285G>A, p.Met1095Ile (NM_001105207.3, NM_002290.5); short protein forms M1095I, M1102I.
Identifiers: ClinVar variation 4045937 (VCV004045937.1).